The following is an entry in ClinVar:

NM_024675.4(PALB2):c.3507_3508del (p.His1170fs)

Gene: PALB2 (partner and localizer of BRCA2; minus strand). Cytogenetic location: 16p12.2.
Variant type: Microsatellite.
Coding change: c.3507_3508del on transcript NM_024675.4 (MANE Select); coding-DNA positions 3507 to 3508, 2 bases deleted (TC; older notation c.3507_3508delTC).
Protein change: p.His1170fs; shifts the reading frame from histidine 1170.
Molecular consequence: frameshift variant.
Genome position (GRCh38, 1-based): chr16:23,603,512-23,603,513, GA deleted on the plus strand (TC on the coding strand, the reverse complement: PALB2 is on the minus strand); deleting any 2 consecutive bases within chr16:23,603,512-23,603,516 gives the same sequence; the c. name uses the placement nearest the transcript's 3' end. VCF-style (leftmost placement, unchanged base first): chr16-23603511-TGA-T. GRCh37 (hg19) VCF-style: chr16-23614832-TGA-T.
Other names: NP_078951.2:p.His1170PhefsTer19; c.3507_3508delTC (NM_024675.3, NM_024675.4); short protein forms H1170fs.
Identifiers: ClinVar variation 140978 (VCV000140978.83), dbSNP rs587776428, ClinGen allele CA164092.

ClinVar aggregate classification (germline): Pathogenic/Likely pathogenic. Review status: criteria provided, multiple submitters, no conflicts (2 of 4 stars). 25 submissions from 24 submitters: Pathogenic (14); Likely pathogenic (8). 3 of the submissions do not count toward it. Last evaluated 2025-11-25.

Conditions:
Fanconi anemia complementation group N. Also called: PALB2-Related Fanconi Anemia. Identifiers: Orphanet 84, MedGen C1835817, MONDO:0012565, OMIM 610832. Disease mechanism: loss of function.
Pancreatic cancer, susceptibility to, 3. Identifiers: Orphanet 1333, MedGen C3150547, MONDO:0013236, OMIM 613348.
Breast-ovarian cancer, familial, susceptibility to, 5 (BROVCA5). Identifiers: MedGen C5830615, MONDO:0957530, OMIM 620442.
PALB2-related disorder. Also called: PALB2-related condition; PALB2-related disorders.
Hereditary cancer-predisposing syndrome. Also called: Tumor predisposition; Hereditary neoplastic syndrome; Hereditary Cancer Syndrome; Neoplastic Syndromes, Hereditary. Identifiers: Orphanet 140162, MedGen C0027672, MeSH D009386, MONDO:0015356.
Hereditary breast ovarian cancer syndrome. Also called: Hereditary breast and ovarian cancer; Hereditary breast and/or ovarian cancer syndrome; BRCA1- and BRCA2-Associated Hereditary Breast and Ovarian Cancer; Hereditary breast and ovarian cancer syndrome (HBOC); Hereditary breast and ovarian cancer syndrome; Breast and ovarian cancer. Identifiers: Orphanet 145, MedGen C0677776, MeSH D061325, MONDO:0003582. Disease mechanism: loss of function.
Breast-ovarian cancer, familial, susceptibility to, 1 (BROVCA1). Also called: BRCA1 Hereditary Breast and Ovarian Cancer; OVARIAN CANCER, SUSCEPTIBILITY TO. Identifiers: Orphanet 145, MedGen C2676676, MONDO:0011450, OMIM 604370. Disease mechanism: loss of function.
Familial cancer of breast. Also called: Hereditary breast cancer; hereditary breast carcinoma; BREAST CANCER, FAMILIAL. Identifiers: Orphanet 227535, MedGen C0346153, MONDO:0016419, OMIM 114480. Disease mechanism: loss of function.

Submissions 1 to 10 of 25:

Labcorp Genetics (formerly Invitae), Labcorp
Classification: Pathogenic for Familial cancer of breast. Last evaluated: 2025-11-25. Review status: criteria provided, single submitter. Criteria: Invitae Variant Classification Sherloc (09022015). Collection method: clinical testing. Allele origin: germline.
Comment: This sequence change is expected to alter the c-terminus of the PALB2 protein (p.His1170Phefs*19). While this is not anticipated to result in nonsense mediated decay, it is expected to disrupt the last 17 amino acid(s) of the PALB2 protein and extend the protein by 1 additional amino acid residues. This variant is present in population databases (rs587781411, gnomAD 0.1%). This frameshift has been observed in individual(s) with breast, ovarian and prostate cancer and breast cancer (PMID: 24556621, 25099575, 25225577, 26283626, 26314354, 26786923). It has also been observed to segregate with disease in related individuals. This variant is also known as c.3504_3505del. ClinVar contains an entry for this variant (Variation ID: 140978). This variant disrupts a region of the PALB2 protein in which other variant(s) (p.Y1183*) have been determined to be pathogenic (PMID: 17200671). This suggests that this is a clinically significant region of the protein, and that variants that disrupt it are likely to be disease-causing. For these reasons, this variant has been classified as Pathogenic.

Institute of Human Genetics, University of Leipzig Medical Center
Classification: Likely pathogenic for Breast-ovarian cancer, familial, susceptibility to, 1. Last evaluated: 2025-09-08. Review status: criteria provided, single submitter. Criteria: ACMG Guidelines, 2015. Collection method: clinical testing. Allele origin: unknown. Inheritance: Autosomal dominant inheritance. Affected: yes.
Comment: Criteria applied: PVS1_STR,PM2_SUP,PP1

Institute of Immunology and Genetics Kaiserslautern
Classification: Pathogenic for Breast-ovarian cancer, familial, susceptibility to, 1. Last evaluated: 2025-07-31. Review status: criteria provided, single submitter. Criteria: ACMG Guidelines, 2015. Collection method: clinical testing. Allele origin: germline. Affected: yes.
Comment: ACMG Criteria: PVS1, PS4, PP1, PP4, PP5_M.

Clinical Genetics Laboratory, Skane University Hospital Lund
Classification: Likely pathogenic for Familial cancer of breast. Last evaluated: 2025-06-17. Review status: criteria provided, single submitter. Criteria: ACMG Guidelines, 2015. Collection method: clinical testing. Allele origin: germline. Affected: yes.
Comment: PVS1_strong, PM2_supporting, PP1_supporting.

Molecular Pathology, Peter Maccallum Cancer Centre
Classification: Likely pathogenic for Familial cancer of breast. Last evaluated: 2025-05-13. Review status: criteria provided, single submitter. Criteria: ACMG Guidelines, 2015. Collection method: clinical testing. Allele origin: germline. Inheritance: Autosomal dominant inheritance.

German Consortium for Hereditary Breast and Ovarian Cancer, University Hospital Cologne
Classification: Likely pathogenic for Hereditary breast ovarian cancer syndrome. Last evaluated: 2025-04-02. Review status: criteria provided, single submitter. Criteria: ClinGen PALB2 V1.1.0. Collection method: curation. Allele origin: germline.
Comment: According to the ClinGen ACMG PALB2 v1.1.0 criteria we chose these criteria: PVS1 (strong pathogenic): PVS1 PALB2 descision tree: frameshift - altered region is critical for protein function (frameshift upstream p.His1184), PM2 (supporting pathogenic): gnomAD v4 <= 1/300,000 alleles, PP1 (supporting pathogenic): Hartley 2014, segregation of this alteration with disease in 4 out of 5 individuals from one family

Ambry Genetics
Classification: Likely pathogenic for Hereditary cancer-predisposing syndrome. Last evaluated: 2025-02-22. Review status: criteria provided, single submitter. Criteria: Ambry Variant Classification Scheme 2023. Collection method: clinical testing. Allele origin: germline.
Comment: The c.3507_3508delTC variant, located in coding exon 13 of the PALB2 gene, results from a deletion of two nucleotides at nucleotide positions 3507 to 3508, causing a translational frameshift with a predicted alternate stop codon (p.H1170Ffs*19). This alteration occurs at the 3' terminus of the PALB2 gene, is not expected to trigger nonsense-mediated mRNA decay, alters the last 17 amino acids of the protein and results in the elongation of the protein by one amino acid. However, these 3' amino acids are part of the functionally critical WD40 domain that is necessary for PALB2 function, stability, and interaction with BRCA2 (Oliver AW et al. EMBO Rep., 2009 Sep;10:990-6). This alteration has also been reported in multiple individuals with personal and/or family history suggestive of hereditary breast, ovarian, or prostate cancer (Leongamornlert D et al. Br J Cancer. 2014 Mar 18;110(6):1663-72; Hartley T et al. Hered Cancer Clin Pract. 2014 Aug 28;12(1):19; Antoniou AC et al. N. Engl. J. Med. 2014 Aug;371(6):497-506; Ramus SJ et al. J. Natl. Cancer Inst. 2015 Nov;107(11); Thompson ER et al. Breast Cancer Res. 2015 Aug;17:111; Zhang K et al. Breast Cancer Res. Treat. 2017 Dec;166:865-873; Lee JEA et al. J. Pathol. 2018 May;245:53-60; Li JY et al. Int. J. Cancer. 2019 01;144:281-289; Rowley SM et al. Genet. Med., 2019 04;21:913-922; Yadav S et al. J. Clin. Oncol., 2020 May;38:1409-1418). Further, Hartley et al., reported segregation of this alteration with disease in 4 out of 5 individuals from one family. Based on the majority of available evidence to date, this variant is likely to be pathogenic.

GeneDx
Classification: Pathogenic. Last evaluated: 2024-12-09. Review status: criteria provided, single submitter. Criteria: GeneDx Variant Classification Process June 2021. Collection method: clinical testing. Allele origin: germline. Affected: yes.
Comment: Frameshift variant predicted to result in an extension of the protein, as the last 17 amino acids are replaced with 18 different amino acids, which disrupts a portion of the seventh WD repeat and the critical region required for interaction with RAD51, BRCA2, POLH, and POLH DNA synthesis stimulation (PMID: 19609323, 20871615, 24485656); Not observed at significant frequency in large population cohorts (gnomAD); Truncating variants in this gene are considered pathogenic by a well-established clinical consortium and/or database; This variant is associated with the following publications: (PMID: 26283626, 28825143, 17200671, 26314360, 16793542, 19609323, 26315354, 24556621, 25225577, 25099575, 19423707, 19584259, 24998779, 29431189, 29752822, 32339256, 30982232, 34326862, 34439348, 33804961, 28888541, 32125938, 31428676, 26786923, 31841383, 30254378, 34917121, 20871615, 24485656)

Women's Health and Genetics/Laboratory Corporation of America, LabCorp
Classification: Pathogenic for Hereditary breast ovarian cancer syndrome. Last evaluated: 2024-08-30. Review status: criteria provided, single submitter. Criteria: LabCorp Variant Classification Summary - May 2015. Collection method: clinical testing. Allele origin: germline.
Comment: Variant summary: PALB2 c.3507_3508delTC (p.His1170PhefsX19) causes a frameshift which results in an extension of the protein. The variant was absent in 251472 control chromosomes. c.3507_3508delTC has been reported in the literature in individuals affected with Hereditary Breast Cancer, Colon cancer and other unspecified cancer (Yang_2020), and segregated with disease in a British family with Breast cancer (Hartley _2014). These data indicate that the variant is likely to be associated with disease. To our knowledge, no experimental evidence demonstrating an impact on protein function has been reported.The following publications have been ascertained in the context of this evaluation (PMID: 25225577, 31841383). ClinVar contains an entry for this variant (Variation ID: 140978). Based on the evidence outlined above, the variant was classified as pathogenic.

Baylor Genetics
Classification: Pathogenic for Familial cancer of breast. Last evaluated: 2024-03-18. Review status: criteria provided, single submitter. Criteria: ACMG Guidelines, 2015. Collection method: clinical testing. Allele origin: unknown.